The following is an entry in ClinVar:

ClinVar aggregate classification (germline): Uncertain significance (1 of 4 stars; one submission).

Allele frequency attached by ClinVar (database versions not stated): ExAC 0.00002; TOPMed 0.00005; gnomAD 0.00006; ESP Exome Variant Server 0.00023.
gnomAD v4.1: 25 of 1,614,038 alleles (0.0015%); highest among the groups gnomAD compares: Non-Finnish European, 0.0021%; no homozygotes.

Submission:

Labcorp Genetics (formerly Invitae), Labcorp
Classification: Uncertain significance. Last evaluated: 2022-09-07. Review status: criteria provided, single submitter. Criteria: Invitae Variant Classification Sherloc (09022015). Collection method: clinical testing. Allele origin: germline.
Comment: This sequence change replaces alanine, which is neutral and non-polar, with threonine, which is neutral and polar, at codon 1311 of the KANK1 protein (p.Ala1311Thr). This variant is present in population databases (rs138870324, gnomAD 0.006%). This variant has not been reported in the literature in individuals affected with KANK1-related conditions. Algorithms developed to predict the effect of missense changes on protein structure and function are either unavailable or do not agree on the potential impact of this missense change (SIFT: "Tolerated"; PolyPhen-2: "Probably Damaging"; Align-GVGD: "Class C0"). In summary, the available evidence is currently insufficient to determine the role of this variant in disease. Therefore, it has been classified as a Variant of Uncertain Significance.

NM_015158.5(KANK1):c.3931G>A (p.Ala1311Thr)

Gene: KANK1 (KN motif and ankyrin repeat domains 1; plus strand). Cytogenetic location: 9p24.3.
Variant type: single nucleotide variant.
Coding change: c.3931G>A on transcript NM_015158.5 (MANE Select); coding-DNA position 3931, G replaced by A.
Protein change: p.Ala1311Thr; replaces alanine 1311 with threonine.
Molecular consequence: missense variant. On other transcripts: non-coding transcript variant (1).
Genome position (GRCh38, 1-based): chr9:744,524, G>A. VCF-style: chr9-744524-G-A. GRCh37 (hg19) VCF-style: chr9-744524-G-A.
Other names: c.3931G>A, p.Ala1311Thr (NM_001256876.3, NM_001256877.3, NM_001354334.2); c.3691G>A, p.Ala1231Thr (NM_001354331.2); c.3877G>A, p.Ala1293Thr (NM_001354332.2); c.3457G>A, p.Ala1153Thr (NM_001354333.2, NM_001354335.2, NM_001354337.2 and 2 more transcripts); c.3163G>A, p.Ala1055Thr (NM_001354336.2); c.3403G>A, p.Ala1135Thr (NM_001354338.2, NM_001354340.2, NM_001354344.2); c.3217G>A, p.Ala1073Thr (NM_001354339.2, NM_001354342.2, NM_001354343.2); short protein forms A1055T, A1073T, A1135T, A1153T, A1231T, A1293T, A1311T.
Identifiers: ClinVar variation 2422051 (VCV002422051.6), dbSNP rs138870324, ClinGen allele CA4961266.